The following is an entry in ClinVar:

NM_015046.7(SETX):c.3681T>A (p.Cys1227Ter)

Gene: SETX (senataxin; minus strand). Cytogenetic location: 9q34.13.
Variant type: single nucleotide variant.
Coding change: c.3681T>A on transcript NM_015046.7 (MANE Select); coding-DNA position 3681, T replaced by A.
Protein change: p.Cys1227Ter; replaces cysteine 1227 with a stop codon.
Molecular consequence: nonsense.
Genome position (GRCh38, 1-based): chr9:132,327,917, A>T on the plus strand (T>A on the coding strand, the complement: SETX is on the minus strand). VCF-style: chr9-132327917-A-T. GRCh37 (hg19) VCF-style: chr9-135203304-A-T.
Other names: c.3681T>A, p.Cys1227Ter (NM_001351527.2, NM_001351528.2); short protein forms C1227*.
Identifiers: ClinVar variation 1449878 (VCV001449878.6), dbSNP rs2131440608, ClinGen allele CA375328607.

ClinVar aggregate classification (germline): Pathogenic (1 of 4 stars; one submission).

Conditions:
Amyotrophic lateral sclerosis type 4 (ALS4). Also called: AMYOTROPHIC LATERAL SCLEROSIS 4, JUVENILE; NEURONOPATHY, DISTAL HEREDITARY MOTOR, WITH PYRAMIDAL FEATURES. Identifiers: Orphanet 357043, MedGen C1865409, MONDO:0011223, OMIM 602433.
Spinocerebellar ataxia, autosomal recessive, with axonal neuropathy 2 (SCAN2). Also called: Ataxia-ocular apraxia-2; Ataxia with Oculomotor Apraxia Type 2; ATAXIA-OCULOMOTOR APRAXIA 2; Ataxia with Oculomotor Apraxia. Identifiers: Orphanet 64753, MedGen C1853761, MONDO:0018996, OMIM 606002.

Submission:

Labcorp Genetics (formerly Invitae), Labcorp
Classification: Pathogenic for Amyotrophic lateral sclerosis type 4; Spinocerebellar ataxia, autosomal recessive, with axonal neuropathy 2. Last evaluated: 2021-10-19. Review status: criteria provided, single submitter. Criteria: Invitae Variant Classification Sherloc (09022015). Collection method: clinical testing. Allele origin: germline.
Comment: For these reasons, this variant has been classified as Pathogenic. This variant has not been reported in the literature in individuals affected with SETX-related conditions. This variant is not present in population databases (ExAC no frequency). This sequence change creates a premature translational stop signal (p.Cys1227*) in the SETX gene. It is expected to result in an absent or disrupted protein product. Loss-of-function variants in SETX are known to be pathogenic (PMID: 14770181).

Literature cited by the submitters: PubMed 14770181.